The following is an entry in ClinVar:

NM_001035.3(RYR2):c.8960G>A (p.Ser2987Asn)

Gene: RYR2 (ryanodine receptor 2; plus strand). Cytogenetic location: 1q43.
Variant type: single nucleotide variant.
Coding change: c.8960G>A on transcript NM_001035.3 (MANE Select); coding-DNA position 8960, G replaced by A.
Protein change: p.Ser2987Asn; replaces serine 2987 with asparagine.
Molecular consequence: missense variant.
Genome position (GRCh38, 1-based): chr1:237,680,520, G>A. VCF-style: chr1-237680520-G-A. GRCh37 (hg19) VCF-style: chr1-237843820-G-A.
Other names: c.8960G>A (NM_001035.2); short protein forms S2987N.
Identifiers: ClinVar variation 1709600 (VCV001709600.3), dbSNP rs1374659491, ClinGen allele CA345404460.

ClinVar aggregate classification (germline): Uncertain significance. Review status: criteria provided, multiple submitters, no conflicts (2 of 4 stars). 2 submissions from 2 submitters: Uncertain significance (2). Last evaluated 2025-12-05.

Conditions:
Arrhythmogenic right ventricular dysplasia 2. Identifiers: MedGen C1832931.
Cardiovascular phenotype. Identifiers: MedGen CN230736.

Allele frequency attached by ClinVar (database versions not stated): gnomAD exomes below 0.00001; gnomAD 0.00001; TOPMed 0.00001.
gnomAD v4.1: 3 of 1,606,490 alleles (0.00019%); highest among the groups gnomAD compares: Admixed American, 0.0017%; no homozygotes.

Submissions (2):

Ambry Genetics
Classification: Uncertain significance for Cardiovascular phenotype. Last evaluated: 2025-12-05. Review status: criteria provided, single submitter. Criteria: Ambry Variant Classification Scheme 2023. Collection method: clinical testing. Allele origin: germline.
Comment: The p.S2987N variant (also known as c.8960G>A), located in coding exon 62 of the RYR2 gene, results from a G to A substitution at nucleotide position 8960. The serine at codon 2987 is replaced by asparagine, an amino acid with highly similar properties. This amino acid position is not well conserved in available vertebrate species. In addition, the in silico prediction for this alteration is inconclusive. Based on the available evidence, the clinical significance of this variant remains unclear.

MGZ Medical Genetics Center
Classification: Uncertain significance for Catecholaminergic polymorphic ventricular tachycardia 1. Last evaluated: 2022-07-19. Review status: criteria provided, single submitter. Criteria: ACMG Guidelines, 2015. Collection method: clinical testing. Allele origin: germline. Affected: yes. Observed: 1 variant allele.
Comment: ACMG criteria applied: PM2_SUP, PP2, PP3